The following is an entry in ClinVar:

ClinVar aggregate classification (germline): Likely benign. Review status: criteria provided, multiple submitters, no conflicts (2 of 4 stars). 2 submissions from 2 submitters: Likely benign (2). Last evaluated 2024-07-08.

Conditions:
Oligodontia-cancer predisposition syndrome. Also called: TOOTH AGENESIS-COLORECTAL CANCER SYNDROME. Identifiers: Orphanet 300576, MedGen C1837750, MONDO:0012075, OMIM 608615. Disease mechanism: loss of function.

Submissions (2):

Myriad Genetics, Inc.
Classification: Likely benign for Oligodontia-cancer predisposition syndrome. Last evaluated: 2024-07-08. Review status: criteria provided, single submitter. Criteria: Myriad Autosomal Dominant, Autosomal Recessive and X-Linked Classification Criteria (2023). Collection method: clinical testing. Allele origin: unknown.
Comment: This variant is considered likely benign. This variant is intronic and is not expected to impact mRNA splicing.

Labcorp Genetics (formerly Invitae), Labcorp
Classification: Likely benign for Oligodontia-cancer predisposition syndrome. Last evaluated: 2021-05-01. Review status: criteria provided, single submitter. Criteria: Invitae Variant Classification Sherloc (09022015). Collection method: clinical testing. Allele origin: germline.

NM_004655.4(AXIN2):c.1907+9del

Gene: AXIN2 (axin 2; minus strand). Cytogenetic location: 17q24.1.
Variant type: Deletion.
Coding change: c.1907+9del on transcript NM_004655.4 (MANE Select); 9 bases into the intron after coding-DNA position 1907, one base deleted (C; older notation c.1907+9delC).
Molecular consequence: intron variant.
Genome position (GRCh38, 1-based): chr17:65,536,860, G deleted on the plus strand (C on the coding strand, the reverse complement: AXIN2 is on the minus strand); the first of 2 consecutive G bases (chr17:65,536,860-65,536,861); deleting either gives the same sequence. VCF-style (leftmost placement, unchanged base first): chr17-65536859-CG-C. GRCh37 (hg19) VCF-style: chr17-63532977-CG-C.
Other names: c.1713-307del (NM_001363813.1).
Identifiers: ClinVar variation 795637 (VCV000795637.10), dbSNP rs1598097651, ClinGen allele CA915952171.
Genomic context (GRCh38, chr17:65,536,859, plus strand): 5'-CATTCCCACAATACCTCCGTACTGAGTGCCCATGACCCTCGCGGCCGCGGCGGCGGCAAG[CG>C]GTGTTTACCTATGGGGCTTGGGCTTGCTCTGCCGCTCACTCTCCAGCATCCACTGCCAGA-3'